The following is an entry in ClinVar:

NM_007294.4(BRCA1):c.5278-12C>G

Gene: BRCA1 (BRCA1 DNA repair associated; minus strand). Cytogenetic location: 17q21.31.
Variant type: single nucleotide variant.
Coding change: c.5278-12C>G on transcript NM_007294.4 (MANE Select); 12 bases into the intron before coding-DNA position 5278, C replaced by G.
Molecular consequence: intron variant.
Genome position (GRCh38, 1-based): chr17:43,051,129, G>C on the plus strand (C>G on the coding strand, the complement: BRCA1 is on the minus strand). VCF-style: chr17-43051129-G-C. GRCh37 (hg19) VCF-style: chr17-41203146-G-C.
Other names: c.1825-12C>G (NM_001408458.1, NM_001408461.1, NM_001408464.1 and 7 more transcripts); c.4387-12C>G (NM_001407967.1); c.4897-12C>G (NM_001407959.1); c.5011-12C>G (NM_001407931.1, NM_001407932.1, NM_001407928.1 and 4 more transcripts); c.5134-12C>G (NM_001407747.1, NM_001407745.1, NM_001407737.1 and 21 more transcripts); c.4894-12C>G (NM_001407962.1, NM_001407960.1); c.1465-12C>G (NM_001408512.1); c.1588-12C>G (NM_001408510.1); and 74 more.
Identifiers: ClinVar variation 673341 (VCV000673341.13), dbSNP rs1597804575, ClinGen allele CA915950044.

ClinVar aggregate classification (germline): Likely benign. Review status: criteria provided, multiple submitters, no conflicts (2 of 4 stars). 2 submissions from 2 submitters: Likely benign (2). Last evaluated 2024-02-19.

Conditions:
Hereditary breast ovarian cancer syndrome. Also called: Hereditary breast and ovarian cancer syndrome (HBOC); Hereditary breast and ovarian cancer; BRCA1- and BRCA2-Associated Hereditary Breast and Ovarian Cancer; Breast and ovarian cancer; Hereditary breast and ovarian cancer syndrome; Hereditary breast and/or ovarian cancer syndrome. Identifiers: Orphanet 145, MedGen C0677776, MeSH D061325, MONDO:0003582. Disease mechanism: loss of function.

Submissions (3):

Labcorp Genetics (formerly Invitae), Labcorp
Classification: Likely benign for Hereditary breast ovarian cancer syndrome. Last evaluated: 2024-02-19. Review status: criteria provided, single submitter. Criteria: Invitae Variant Classification Sherloc (09022015). Collection method: clinical testing. Allele origin: germline.

GeneDx
Classification: Likely benign. Last evaluated: 2018-06-19. Review status: criteria provided, single submitter. Criteria: GeneDx Variant Classification (06012015). Collection method: clinical testing. Allele origin: germline. Affected: yes.
Comment: This variant is considered likely benign or benign based on one or more of the following criteria: it is a conservative change, it occurs at a poorly conserved position in the protein, it is predicted to be benign by multiple in silico algorithms, and/or has population frequency not consistent with disease.

Brotman Baty Institute, University of Washington
No classification provided (evidence only). Condition: Breast-ovarian cancer, familial 1. Review status: no classification provided. Collection method: in vitro. Allele origin: not applicable. Functional consequence: functionally_normal. Not counted in ClinVar's aggregate classification.
ClinVar note: "not provided" was previously submitted as the classification for the variant. However, the classification appeared to be based only on an observation of functional data so it was converted to no classification on 2025-07-30.